The following is an entry in ClinVar:

ClinVar aggregate classification (germline): Benign (0 of 4 stars; one submission).

Conditions:
CUX1-related disorder. Also called: CUX1-related condition.

Submission:

PreventionGenetics, part of Exact Sciences
Classification: Benign for CUX1-related condition. Last evaluated: 2019-10-28. Review status: no assertion criteria provided. Collection method: clinical testing. Allele origin: germline.
Comment: This variant is classified as benign based on ACMG/AMP sequence variant interpretation guidelines (Richards et al. 2015 PMID: 25741868, with internal and published modifications).

NM_181552.4(CUX1):c.2565_2573dup (p.Gly859_Gly860insSerGlyGly)

Gene: CUX1 (cut like homeobox 1; plus strand). Cytogenetic location: 7q22.1.
Variant type: Duplication.
Coding change: c.2565_2573dup on transcript NM_181552.4 (MANE Select); coding-DNA positions 2565 to 2573, 9 bases duplicated (TGGCAGCGG; older notation c.2565_2573dupTGGCAGCGG).
Protein change: p.Gly859_Gly860insSerGlyGly.
Molecular consequence: intron variant (on NM_001913.5).
Genome position (GRCh38, 1-based): chr7:102,201,862-102,201,870, TGGCAGCGG duplicated; duplicating any 9 consecutive bases within chr7:102,201,854-102,201,870 gives the same sequence; the c. name uses the placement nearest the transcript's 3' end. VCF-style (leftmost placement, unchanged base first): chr7-102201853-G-GGGCAGCGGT. GRCh37 (hg19) VCF-style: chr7-101845133-G-GGGCAGCGGT.
Other names: c.2598_2606dup, p.Gly870_Gly871insSerGlyGly (NM_001202543.2); c.1255+6259_1255+6267dup (NM_001913.5); c.1249+6259_1249+6267dup (NM_181500.4); c.1117+6259_1117+6267dup (NM_001202545.3); c.1207+6259_1207+6267dup (NM_001202544.3); c.1138+6259_1138+6267dup (NM_001202546.3).
Identifiers: ClinVar variation 3041850 (VCV003041850.2), dbSNP rs560917102, ClinGen allele CA4411097.